The following is an entry in ClinVar:

NM_018896.5(CACNA1G):c.3203G>T (p.Arg1068Leu)

Gene: CACNA1G (calcium voltage-gated channel subunit alpha1 G; plus strand). Cytogenetic location: 17q21.33.
Variant type: single nucleotide variant.
Coding change: c.3203G>T on transcript NM_018896.5 (MANE Select); coding-DNA position 3203, G replaced by T.
Protein change: p.Arg1068Leu; replaces arginine 1068 with leucine.
Molecular consequence: missense variant. On other transcripts: non-coding transcript variant (5).
Genome position (GRCh38, 1-based): chr17:50,596,868, G>T. VCF-style: chr17-50596868-G-T. GRCh37 (hg19) VCF-style: chr17-48674229-G-T.
Other names: c.3203G>T, p.Arg1068Leu (NM_001256324.2, NM_001256325.2, NM_001256326.2 and 16 more transcripts); c.3134G>T, p.Arg1045Leu (NM_001256332.2, NM_198376.3, NM_198379.3 and 5 more transcripts); short protein forms R1068L, R1045L.
Identifiers: ClinVar variation 1810505 (VCV001810505.1), dbSNP rs1299101556, ClinGen allele CA400252390.

ClinVar aggregate classification (germline): Uncertain significance (1 of 4 stars; one submission).

Submission:

GeneDx
Classification: Uncertain significance. Last evaluated: 2022-07-06. Review status: criteria provided, single submitter. Criteria: GeneDx Variant Classification Process June 2021. Collection method: clinical testing. Allele origin: germline. Affected: yes.
Comment: Not observed at significant frequency in large population cohorts (gnomAD); In silico analysis supports that this missense variant has a deleterious effect on protein structure/function; Has not been previously published as pathogenic or benign to our knowledge